The following is an entry in ClinVar:

NM_016239.4(MYO15A):c.8896G>A (p.Gly2966Ser)

Gene: MYO15A (myosin XVA; plus strand). Cytogenetic location: 17p11.2.
Variant type: single nucleotide variant.
Coding change: c.8896G>A on transcript NM_016239.4 (MANE Select); coding-DNA position 8896, G replaced by A.
Protein change: p.Gly2966Ser; replaces glycine 2966 with serine.
Molecular consequence: missense variant.
Genome position (GRCh38, 1-based): chr17:18,157,829, G>A. VCF-style: chr17-18157829-G-A. GRCh37 (hg19) VCF-style: chr17-18061143-G-A.
Other names: short protein forms G2966S.
Identifiers: ClinVar variation 1683355 (VCV001683355.2), dbSNP rs753596096, ClinGen allele CA8425303.
Genomic context (GRCh38, chr17:18,157,829, plus strand): 5'-GAGCTGGTGCAGCCCGCTGCTGCCCCCGACTTCCTGCAGCTGCCAACGGAGCCAGGCCGC[G>A]GCCGAGCAGCCGCCGTGGCCGCTGCTGTGGCCTCTGCAGCCGCTGCACAGGAGGTGGGCC-3'
Protein context (NP_057323.3, residues 2956-2976): FLQLPTEPGR[Gly2966Ser]RAAAVAAAVA

ClinVar aggregate classification (germline): Uncertain significance. Review status: criteria provided, multiple submitters, no conflicts (2 of 4 stars). 2 submissions from 2 submitters: Uncertain significance (2). Last evaluated 2024-09-08.

Conditions:
Inborn genetic diseases. Identifiers: MedGen C0950123, MeSH D030342.

Submissions (2):

Ambry Genetics
Classification: Uncertain significance for Inborn genetic diseases. Last evaluated: 2024-09-08. Review status: criteria provided, single submitter. Criteria: Ambry Variant Classification Scheme 2023. Collection method: clinical testing. Allele origin: germline.

Women's Health and Genetics/Laboratory Corporation of America, LabCorp
Classification: Uncertain significance. Last evaluated: 2022-04-21. Review status: criteria provided, single submitter. Criteria: LabCorp Variant Classification Summary - May 2015. Collection method: clinical testing. Allele origin: germline.
Comment: Variant summary: MYO15A c.8896G>A (p.Gly2966Ser) results in a non-conservative amino acid change in the encoded protein sequence. Three of five in-silico tools predict a benign effect of the variant on protein function. The variant allele was found at a frequency of 9.1e-06 in 219932 control chromosomes. The available data on variant occurrences in the general population are insufficient to allow any conclusion about variant significance. To our knowledge, no occurrence of c.8896G>A in individuals affected with Autosomal Recessive Nonsyndromic Hearing Loss 3 and no experimental evidence demonstrating its impact on protein function have been reported. No clinical diagnostic laboratories have submitted clinical-significance assessments for this variant to ClinVar after 2014. Based on the evidence outlined above, the variant was classified as uncertain significance.